The following is an entry in ClinVar:

ClinVar aggregate classification (germline): Likely benign (1 of 4 stars; one submission).

Allele frequency attached by ClinVar (database versions not stated): 1000 Genomes Project 30x 0.00250.
gnomAD v4.1: 180 of 152,204 alleles (0.12%); highest among the groups gnomAD compares: Middle Eastern, 1.4%; no homozygotes.

Submission:

CeGaT Center for Human Genetics Tuebingen
Classification: Likely benign. Last evaluated: 2023-06-01. Review status: criteria provided, single submitter. Criteria: CeGaT Center For Human Genetics Tuebingen Variant Classification Criteria Version 2. Collection method: clinical testing. Allele origin: germline. Affected: yes. Observed: 1 variant allele.
Comment: SDHA: BS1

NC_000005.10:g.263387C>T

Gene: SDHA (succinate dehydrogenase complex flavoprotein subunit A; plus strand). Cytogenetic location: 5p15.33.
Variant type: single nucleotide variant.
Genome position: GRCh38 VCF-style: chr5-263387-C-T. GRCh37 (hg19) VCF-style: chr5-263502-C-T.
Identifiers: ClinVar variation 2655240 (VCV002655240.24), dbSNP rs1458913062, ClinGen allele CA557104685.